The following is an entry in ClinVar:

NM_004655.4(AXIN2):c.1072C>G (p.Leu358Val)

Gene: AXIN2 (axin 2; minus strand). Cytogenetic location: 17q24.1.
Variant type: single nucleotide variant.
Coding change: c.1072C>G on transcript NM_004655.4 (MANE Select); coding-DNA position 1072, C replaced by G.
Protein change: p.Leu358Val; replaces leucine 358 with valine.
Molecular consequence: missense variant.
Genome position (GRCh38, 1-based): chr17:65,538,331, G>C on the plus strand (C>G on the coding strand, the complement: AXIN2 is on the minus strand). VCF-style: chr17-65538331-G-C. GRCh37 (hg19) VCF-style: chr17-63534449-G-C.
Other names: c.1072C>G, p.Leu358Val (NM_001363813.1); short protein forms L358V.
Identifiers: ClinVar variation 1783838 (VCV001783838.2), dbSNP rs2144478696, ClinGen allele CA400678599.

ClinVar aggregate classification (germline): Uncertain significance (1 of 4 stars; one submission).

Conditions:
Hereditary cancer-predisposing syndrome. Also called: Neoplastic Syndromes, Hereditary; Tumor predisposition; Hereditary Cancer Syndrome; Hereditary neoplastic syndrome. Identifiers: Orphanet 140162, MedGen C0027672, MeSH D009386, MONDO:0015356.

Submission:

Ambry Genetics
Classification: Uncertain significance for Hereditary cancer-predisposing syndrome. Last evaluated: 2022-06-04. Review status: criteria provided, single submitter. Criteria: Ambry Variant Classification Scheme 2023. Collection method: clinical testing. Allele origin: germline.
Comment: The p.L358V variant (also known as c.1072C>G), located in coding exon 4 of the AXIN2 gene, results from a C to G substitution at nucleotide position 1072. The leucine at codon 358 is replaced by valine, an amino acid with highly similar properties. This amino acid position is conserved. In addition, the in silico prediction for this alteration is inconclusive. Since supporting evidence is limited at this time, the clinical significance of this alteration remains unclear.